The following is an entry in ClinVar:

NM_024407.5(NDUFS7):c.47G>A (p.Gly16Asp)

Gene: NDUFS7 (NADH:ubiquinone oxidoreductase core subunit S7; plus strand). Cytogenetic location: 19p13.3.
Variant type: single nucleotide variant.
Coding change: c.47G>A on transcript NM_024407.5 (MANE Select); coding-DNA position 47, G replaced by A.
Protein change: p.Gly16Asp; replaces glycine 16 with aspartic acid.
Molecular consequence: missense variant.
Genome position (GRCh38, 1-based): chr19:1,387,841, G>A. VCF-style: chr19-1387841-G-A. GRCh37 (hg19) VCF-style: chr19-1387840-G-A.
Other names: c.47G>A, p.Gly16Asp (NM_001363602.2); c.47G>A (NM_024407.4); short protein forms G16D.
Identifiers: ClinVar variation 1050003 (VCV001050003.11), dbSNP rs552179138, ClinGen allele CA9043027.
Genomic context (GRCh38, chr19:1,387,841, plus strand): 5'-ACTGTTCCCACCCCGTGGTCCTCTCTGCAGCTCCTGGCCTGCGCGGCTTCCGGATCCTTG[G>A]TCTGCGGTGAGTGCCTGAGTCTCCAGCCCTCAGCTGGGAGGGGCCTTCAGCAGCGACAGA-3'
Protein context (NP_077718.3, residues 6-26): APGLRGFRIL[Gly16Asp]LRSSVGPAVQ

ClinVar aggregate classification (germline): Conflicting classifications of pathogenicity. Review status: criteria provided, conflicting classifications (1 of 4 stars). 4 submissions from 4 submitters: Uncertain significance (1); Benign (1). 2 of the submissions do not count toward it. Last evaluated 2026-02-02.

Conditions:
NDUFS7-related disorder. Also called: NDUFS7-related condition.

Allele frequency attached by ClinVar (database versions not stated): gnomAD 0.00001 and 0.00014; TOPMed 0.00002; gnomAD exomes 0.00015 and 0.00032; ExAC 0.00033; 1000 Genomes Project 0.00120; 1000 Genomes Project 30x 0.00125.
gnomAD v4.1: 249 of 1,609,850 alleles (0.015%); highest among the groups gnomAD compares: South Asian, 0.25%; 2 homozygotes.

Submissions (4):

Labcorp Genetics (formerly Invitae), Labcorp
Classification: Benign. Last evaluated: 2026-02-02. Review status: criteria provided, single submitter. Criteria: Invitae Variant Classification Sherloc (09022015). Collection method: clinical testing. Allele origin: germline.

Women's Health and Genetics/Laboratory Corporation of America, LabCorp
Classification: Uncertain significance. Last evaluated: 2023-05-04. Review status: criteria provided, single submitter. Criteria: LabCorp Variant Classification Summary - May 2015. Collection method: clinical testing. Allele origin: germline.

PreventionGenetics, part of Exact Sciences
Classification: Likely benign for NDUFS7-related condition. Last evaluated: 2022-04-06. Review status: no assertion criteria provided. Collection method: clinical testing. Allele origin: germline. Not counted in ClinVar's aggregate classification.
Comment: This variant is classified as likely benign based on ACMG/AMP sequence variant interpretation guidelines (Richards et al. 2015 PMID: 25741868, with internal and published modifications).

Department of Pathology and Laboratory Medicine, Sinai Health System
Classification: Likely benign. Review status: no assertion criteria provided. Collection method: clinical testing. Allele origin: unknown. Affected: yes. Study: The Canadian Open Genetics Repository (COGR). Not counted in ClinVar's aggregate classification.
Comment: The NDUFS7 p.G16D variant was not identified in the literature nor was it identified in ClinVar. The variant was identified in dbSNP (ID: rs552179138) and in control databases in 79 of 247548 chromosomes (2 homozygous) at a frequency of 0.0003191, and was observed at the highest frequency in the South Asian population in 78 of 30608 chromosomes (2 homozygous) (freq: 0.002548) (Genome Aggregation Database March 6, 2019, v2.1.1). The p.G16 residue is not conserved in mammals and computational analyses (MUT Assesor, PolyPhen-2, SIFT, MutationTaster, Revel, FATHMM, MetaLR, DANN) provide inconsistent predictions regarding the impact to the protein; this information is not very predictive of pathogenicity. The variant occurs outside of the splicing consensus sequence and in silico or computational prediction software programs (Splice AI exome) do not predict a deleterious effect on splicing. In summary, based on the above information the clinical significance of this variant cannot be determined with certainty at this time although we would lean towards a more benign role for this variant. This variant is classified as likely benign.